The following is an entry in ClinVar:

NM_152468.5(TMC8):c.903_910dup (p.Val304fs)

Gene: TMC8 (transmembrane channel like 8; plus strand). Cytogenetic location: 17q25.3.
Variant type: Duplication.
Coding change: c.903_910dup on transcript NM_152468.5 (MANE Select); coding-DNA positions 903 to 910, 8 bases duplicated (GGTCAACG; older notation c.903_910dupGGTCAACG).
Protein change: p.Val304fs; shifts the reading frame from valine 304.
Molecular consequence: frameshift variant.
Genome position (GRCh38, 1-based): chr17:78,134,480-78,134,487, GGTCAACG duplicated; duplicating any 8 consecutive bases within chr17:78,134,478-78,134,487 gives the same sequence; the c. name uses the placement nearest the transcript's 3' end. VCF-style (leftmost placement, unchanged base first): chr17-78134477-G-GCGGGTCAA. GRCh37 (hg19) VCF-style: chr17-76130558-G-GCGGGTCAA.
Other names: short protein forms V304fs.
Identifiers: ClinVar variation 4293115 (VCV004293115.1).
Genomic context (GRCh38, chr17:78,134,477, plus strand): 5'-CTTCCAGCTGATGCAGCAGCAGACCCGGGCCCAGACGGCCTGCCGCCTGCTCTCCTACCT[G>GCGGGTCAA]CGGGTCAACGTACTCAACGGGCTCCTGGTGGTTGGGGCCATCAGCGCCATCTTCTGGGCT-3'

ClinVar aggregate classification (germline): Pathogenic (1 of 4 stars; one submission).

Conditions:
Epidermodysplasia verruciformis, susceptibility to, 2. Also called: Epidermodysplasia verruciformis 2. Identifiers: MedGen C4722258, MONDO:0032614, OMIM 618231.

Submission:

3billion
Classification: Pathogenic for Epidermodysplasia verruciformis, susceptibility to, 2. Last evaluated: 2025-01-21. Review status: criteria provided, single submitter. Criteria: ACMG Guidelines, 2015. Collection method: clinical testing. Allele origin: germline. Affected: yes.
Comment: The variant is not observed in the gnomAD v4.1.0 dataset. Predicted Consequence/Location: Frameshift: predicted to result in a loss or disruption of normal protein function through nonsense-mediated decay (NMD) or protein truncation. Multiple pathogenic variants are reported downstream of the variant. Therefore, this variant is classified as Pathogenic according to the recommendation of ACMG/AMP guideline.